The following is an entry in ClinVar:

NM_000059.4(BRCA2):c.9032T>G (p.Leu3011Arg)

Gene: BRCA2 (BRCA2 DNA repair associated; plus strand). Cytogenetic location: 13q13.1.
Variant type: single nucleotide variant.
Coding change: c.9032T>G on transcript NM_000059.4 (MANE Select); coding-DNA position 9032, T replaced by G.
Protein change: p.Leu3011Arg; replaces leucine 3011 with arginine.
Molecular consequence: missense variant.
Genome position (GRCh38, 1-based): chr13:32,379,828, T>G. VCF-style: chr13-32379828-T-G. GRCh37 (hg19) VCF-style: chr13-32953965-T-G.
Other names: short protein forms L3011R.
Identifiers: ClinVar variation 918110 (VCV000918110.6), dbSNP rs80359155, ClinGen allele CA387757509.

ClinVar aggregate classification (germline): Uncertain significance. Review status: criteria provided, multiple submitters, no conflicts (2 of 4 stars). 2 submissions from 2 submitters: Uncertain significance (2). Last evaluated 2021-12-23.

Conditions:
Hereditary breast ovarian cancer syndrome. Also called: Hereditary breast and ovarian cancer; Hereditary breast and ovarian cancer syndrome (HBOC); Breast and ovarian cancer; Hereditary breast and ovarian cancer syndrome; BRCA1- and BRCA2-Associated Hereditary Breast and Ovarian Cancer; Hereditary breast and/or ovarian cancer syndrome. Identifiers: Orphanet 145, MedGen C0677776, MeSH D061325, MONDO:0003582. Disease mechanism: loss of function.

Submissions (2):

Labcorp Genetics (formerly Invitae), Labcorp
Classification: Uncertain significance for Hereditary breast ovarian cancer syndrome. Last evaluated: 2021-12-23. Review status: criteria provided, single submitter. Criteria: Invitae Variant Classification Sherloc (09022015). Collection method: clinical testing. Allele origin: germline.
Comment: This sequence change replaces leucine, which is neutral and non-polar, with arginine, which is basic and polar, at codon 3011 of the BRCA2 protein (p.Leu3011Arg). This variant is not present in population databases (gnomAD no frequency). This variant has not been reported in the literature in individuals affected with BRCA2-related conditions. ClinVar contains an entry for this variant (Variation ID: 918110). Advanced modeling of protein sequence and biophysical properties (such as structural, functional, and spatial information, amino acid conservation, physicochemical variation, residue mobility, and thermodynamic stability) performed at Invitae indicates that this missense variant is not expected to disrupt BRCA2 protein function. In summary, the available evidence is currently insufficient to determine the role of this variant in disease. Therefore, it has been classified as a Variant of Uncertain Significance.

Women's Health and Genetics/Laboratory Corporation of America, LabCorp
Classification: Uncertain significance. Last evaluated: 2020-03-12. Review status: criteria provided, single submitter. Criteria: LabCorp Variant Classification Summary - May 2015. Collection method: clinical testing. Allele origin: germline.
Comment: Variant summary: BRCA2 c.9032T>G (p.Leu3011Arg) results in a non-conservative amino acid change in the encoded protein sequence. Five of five in-silico tools predict a damaging effect of the variant on protein function. The variant was absent in 250554 control chromosomes (gnomAD). The available data on variant occurrences in the general population are insufficient to allow any conclusion about variant significance. To our knowledge, no occurrence of c.9032T>G in individuals affected with Hereditary Breast and Ovarian Cancer and no experimental evidence demonstrating its impact on protein function have been reported. No clinical diagnostic laboratories have submitted clinical-significance assessments for this variant to ClinVar after 2014. Based on the evidence outlined above, the variant was classified as uncertain significance.